The following is an entry in ClinVar:

ClinVar aggregate classification (germline): Uncertain significance (1 of 4 stars; one submission).

Submission:

Labcorp Genetics (formerly Invitae), Labcorp
Classification: Uncertain significance. Last evaluated: 2022-08-29. Review status: criteria provided, single submitter. Criteria: Invitae Variant Classification Sherloc (09022015). Collection method: clinical testing. Allele origin: germline.
Comment: In summary, the available evidence is currently insufficient to determine the role of this variant in disease. Therefore, it has been classified as a Variant of Uncertain Significance. This variant has not been reported in the literature in individuals affected with LRRC10-related conditions. This variant is not present in population databases (gnomAD no frequency). This sequence change affects codon 212 of the LRRC10 mRNA. It is a 'silent' change, meaning that it does not change the encoded amino acid sequence of the LRRC10 protein.

NM_201550.4(LRRC10):c.636A>G (p.Ser212=)

Gene: LRRC10 (leucine rich repeat containing 10; minus strand). Cytogenetic location: 12q15.
Variant type: single nucleotide variant.
Coding change: c.636A>G on transcript NM_201550.4 (MANE Select); coding-DNA position 636, A replaced by G.
Protein change: p.Ser212=; no amino-acid change (serine 212 retained).
Molecular consequence: synonymous variant.
Genome position (GRCh38, 1-based): chr12:69,610,203, T>C on the plus strand (A>G on the coding strand, the complement: LRRC10 is on the minus strand). VCF-style: chr12-69610203-T-C. GRCh37 (hg19) VCF-style: chr12-70003983-T-C.
Identifiers: ClinVar variation 2027317 (VCV002027317.4), dbSNP rs2499032345, ClinGen allele CA480466056.